The following is an entry in ClinVar:

NM_000535.7(PMS2):c.959T>C (p.Phe320Ser)

Gene: PMS2 (PMS1 homolog 2, mismatch repair system component; minus strand). Cytogenetic location: 7p22.1.
Variant type: single nucleotide variant.
Coding change: c.959T>C on transcript NM_000535.7 (MANE Select); coding-DNA position 959, T replaced by C.
Protein change: p.Phe320Ser; replaces phenylalanine 320 with serine.
Molecular consequence: missense variant. On other transcripts: non-coding transcript variant (1).
Genome position (GRCh38, 1-based): chr7:5,992,002, A>G on the plus strand (T>C on the coding strand, the complement: PMS2 is on the minus strand). VCF-style: chr7-5992002-A-G. GRCh37 (hg19) VCF-style: chr7-6031633-A-G.
Other names: c.554T>C, p.Phe185Ser (NM_001322003.2, NM_001322004.2, NM_001322005.2 and 2 more transcripts); c.959T>C, p.Phe320Ser (NM_001322006.2, NM_001322014.2); c.641T>C, p.Phe214Ser (NM_001322007.2, NM_001322008.2); c.26T>C, p.Phe9Ser (NM_001322011.2, NM_001322012.2); c.386T>C, p.Phe129Ser (NM_001322013.2); c.650T>C, p.Phe217Ser (NM_001322015.2); short protein forms F129S, F185S, F217S, F320S, F214S, F9S.
Identifiers: ClinVar variation 662830 (VCV000662830.7), dbSNP rs1060503121, ClinGen allele CA366743114.

ClinVar aggregate classification (germline): Uncertain significance. Review status: criteria provided, multiple submitters, no conflicts (2 of 4 stars). 2 submissions from 2 submitters: Uncertain significance (2). Last evaluated 2024-01-31.

Conditions:
Hereditary nonpolyposis colorectal neoplasms. Identifiers: MedGen C0009405, MeSH D003123.
Hereditary cancer-predisposing syndrome. Also called: Neoplastic Syndromes, Hereditary; Tumor predisposition; Hereditary neoplastic syndrome; Hereditary Cancer Syndrome. Identifiers: Orphanet 140162, MedGen C0027672, MeSH D009386, MONDO:0015356.

Submissions (2):

Ambry Genetics
Classification: Uncertain significance for Hereditary cancer-predisposing syndrome. Last evaluated: 2024-01-31. Review status: criteria provided, single submitter. Criteria: Ambry Variant Classification Scheme 2023. Collection method: clinical testing. Allele origin: germline.

Labcorp Genetics (formerly Invitae), Labcorp
Classification: Uncertain significance for Hereditary nonpolyposis colorectal neoplasms. Last evaluated: 2022-04-08. Review status: criteria provided, single submitter. Criteria: Invitae Variant Classification Sherloc (09022015). Collection method: clinical testing. Allele origin: germline.
Comment: This variant has not been reported in the literature in individuals affected with PMS2-related conditions. ClinVar contains an entry for this variant (Variation ID: 662830). Advanced modeling of protein sequence and biophysical properties (such as structural, functional, and spatial information, amino acid conservation, physicochemical variation, residue mobility, and thermodynamic stability) performed at Invitae indicates that this missense variant is not expected to disrupt PMS2 protein function. In summary, the available evidence is currently insufficient to determine the role of this variant in disease. Therefore, it has been classified as a Variant of Uncertain Significance. This sequence change replaces phenylalanine, which is neutral and non-polar, with serine, which is neutral and polar, at codon 320 of the PMS2 protein (p.Phe320Ser). This variant is not present in population databases (gnomAD no frequency).